The following is an entry in ClinVar:

ClinVar aggregate classification (germline): Pathogenic (1 of 4 stars; one submission).

Conditions:
Neurofibromatosis, type 1 (NF1). Also called: Neurofibromatosis, type I; NEUROFIBROMATOSIS, TYPE I, SOMATIC; Peripheral type neurofibromatosis; VON RECKLINGHAUSEN DISEASE. Identifiers: Orphanet 636, MedGen C0027831, MONDO:0018975, OMIM 162200. Disease mechanism: loss of function.

Submission:

Labcorp Genetics (formerly Invitae), Labcorp
Classification: Pathogenic for Neurofibromatosis, type 1. Last evaluated: 2023-05-19. Review status: criteria provided, single submitter. Criteria: Invitae Variant Classification Sherloc (09022015). Collection method: clinical testing. Allele origin: germline.
Comment: ClinVar contains an entry for this variant (Variation ID: 404519). This variant has not been reported in the literature in individuals affected with NF1-related conditions. This variant is not present in population databases (gnomAD no frequency). For these reasons, this variant has been classified as Pathogenic. This variant disrupts a region of the NF1 protein in which other variant(s) (p.Tyr1524del) have been determined to be pathogenic (Invitae). This suggests that this is a clinically significant region of the protein, and that variants that disrupt it are likely to be disease-causing. Algorithms developed to predict the effect of sequence changes on RNA splicing suggest that this variant may disrupt the consensus splice site. This variant, c.4559_4573del, is a complex sequence change that results in the deletion of 6 and insertion of 1 amino acid(s) in the NF1 protein (p.Thr1520_Leu1525delinsMet).

NM_001042492.3(NF1):c.4622_4636del (p.Thr1541_Leu1546delinsMet)

Gene: NF1 (neurofibromin 1; plus strand). Cytogenetic location: 17q11.2.
Variant type: Deletion.
Coding change: c.4622_4636del on transcript NM_001042492.3 (MANE Select); coding-DNA positions 4622 to 4636, 15 bases deleted (CACTTCTTGCATACC).
Protein change: p.Thr1541_Leu1546delinsMet.
Molecular consequence: inframe indel.
Genome position (GRCh38, 1-based): chr17:31,261,755-31,261,769, CACTTCTTGCATACC deleted. VCF-style (leftmost placement, unchanged base first): chr17-31261754-ACACTTCTTGCATACC-A. GRCh37 (hg19) VCF-style: chr17-29588772-ACACTTCTTGCATACC-A.
Other names: c.4559_4573delCACTTCTTGCATACC (NM_000267.3); c.4559_4573delCACTTCTTGCATACC, p.Thr1520_Leu1525delinsMet (NM_000267.4).
Identifiers: ClinVar variation 404519 (VCV000404519.5), dbSNP rs1064792912, ClinGen allele CA16615526.